The following is an entry in ClinVar:

ClinVar aggregate classification (germline): Conflicting classifications of pathogenicity. Review status: criteria provided, conflicting classifications (1 of 4 stars). 3 submissions from 3 submitters: Likely pathogenic (1); Uncertain significance (2). Last evaluated 2025-07-21.

Conditions:
Autosomal recessive limb-girdle muscular dystrophy type 2J (LGMDR10). Also called: Limb-girdle muscular dystrophy, type 2J; MUSCULAR DYSTROPHY, LIMB-GIRDLE, AUTOSOMAL RECESSIVE 10. Identifiers: Orphanet 140922, MedGen C1837342, MONDO:0012127, OMIM 608807.
Dilated cardiomyopathy 1G (CMD1G). Identifiers: Orphanet 154, MedGen C1858763, MONDO:0011400, OMIM 604145.
Myopathy, myofibrillar, 9, with early respiratory failure (MFM9). Also called: EDSTROM MYOPATHY; MYOPATHY, PROXIMAL, WITH EARLY RESPIRATORY MUSCLE INVOLVEMENT; Hereditary myopathy with early respiratory failure; Myopathy, distal, with early respiratory failure, autosomal dominant. Identifiers: Orphanet 178464, Orphanet 34521, MedGen C1863599, MONDO:0011362, OMIM 603689.
Hypertrophic cardiomyopathy 9. Also called: Familial hypertrophic cardiomyopathy 9. Identifiers: MedGen C1861065, MONDO:0013412, OMIM 613765.
Early-onset myopathy with fatal cardiomyopathy (CMYO5). Also called: Salih Myopathy; CONGENITAL MYOPATHY 5 WITH CARDIOMYOPATHY. Identifiers: Orphanet 289377, MedGen C2673677, MONDO:0012714, OMIM 611705. Disease mechanism: loss of function.
Tibial muscular dystrophy (TMD). Also called: UDD MYOPATHY; Tibial muscular dystrophy, tardive; Udd Distal Myopathy – Tibial Muscular Dystrophy. Identifiers: Orphanet 609, MedGen C1838244, MONDO:0010870, OMIM 600334.

Allele frequency attached by ClinVar (database versions not stated): TOPMed below 0.00001.

Submissions (3):

Labcorp Genetics (formerly Invitae), Labcorp
Classification: Likely pathogenic for Dilated cardiomyopathy 1G; Autosomal recessive limb-girdle muscular dystrophy type 2J. Last evaluated: 2025-07-21. Review status: criteria provided, single submitter. Criteria: Invitae Variant Classification Sherloc (09022015). Collection method: clinical testing. Allele origin: germline.
Comment: This sequence change affects a donor splice site in intron 112 of the TTN gene. It is expected to disrupt RNA splicing and likely results in a truncated or disrupted TTN protein. This variant is not present in population databases (gnomAD no frequency). This variant has not been observed in the literature in individuals with autosomal recessive TTN-related conditions. This variant has been reported in individual(s) with autosomal dominant dilated cardiomyopathy (internal data); however, the role of the variant in this condition is currently unclear. ClinVar contains an entry for this variant (Variation ID: 448784). Algorithms developed to predict the effect of sequence changes on RNA splicing suggest that this variant may disrupt the consensus splice site. This variant is located in the I band of TTN (PMID: 25589632). Truncating variants in this region have been reported in individuals affected with autosomal recessive centronuclear myopathy (PMID: 23975875, internal data). Truncating variants in this region have also been identified in individuals affected with autosomal dominant dilated cardiomyopathy and/or cardio-related conditions (PMID: 27869827, 32964742, internal data). In summary, the currently available evidence indicates that the variant is pathogenic, but additional data are needed to prove that conclusively. Therefore, this variant has been classified as Likely Pathogenic.

Fulgent Genetics
Classification: Uncertain significance for Tibial muscular dystrophy; Myopathy, myofibrillar, 9, with early respiratory failure; Dilated cardiomyopathy 1G; Autosomal recessive limb-girdle muscular dystrophy type 2J; Early-onset myopathy with fatal cardiomyopathy; Hypertrophic cardiomyopathy 9. Last evaluated: 2021-07-29. Review status: criteria provided, single submitter. Criteria: ACMG Guidelines, 2015. Collection method: clinical testing. Allele origin: unknown.

Athena Diagnostics
Classification: Uncertain significance. Last evaluated: 2017-03-22. Review status: criteria provided, single submitter. Criteria: Athena Diagnostics Criteria. Collection method: clinical testing. Allele origin: germline.

Literature cited by the submitters: PubMed 25589632 (cited by Labcorp Genetics (formerly Invitae), Labcorp); PubMed 23975875 (cited by Labcorp Genetics (formerly Invitae), Labcorp); PubMed 27869827 (cited by Labcorp Genetics (formerly Invitae), Labcorp); PubMed 32964742 (cited by Labcorp Genetics (formerly Invitae), Labcorp).

NM_001267550.2(TTN):c.30754+1G>T

Gene: TTN (titin; minus strand). Cytogenetic location: 2q31.2.
Variant type: single nucleotide variant.
Coding change: c.30754+1G>T on transcript NM_001267550.2 (MANE Select); the canonical splice donor site of the intron after coding-DNA position 30754, G replaced by T.
Molecular consequence: splice donor variant. On other transcripts: intron variant (3).
Genome position (GRCh38, 1-based): chr2:178,698,842, C>A on the plus strand (G>T on the coding strand, the complement: TTN is on the minus strand). VCF-style: chr2-178698842-C-A. GRCh37 (hg19) VCF-style: chr2-179563569-C-A.
Other names: c.13282+39240G>T (NM_003319.4); c.13858+39240G>T (NM_133437.4); c.13657+39240G>T (NM_133432.3); c.27022+1G>T (NM_133378.4); c.29803+1G>T (NM_001256850.1).
Identifiers: ClinVar variation 448784 (VCV000448784.7), dbSNP rs914288774, ClinGen allele CA60993595.